The following is an entry in ClinVar:

ClinVar aggregate classification (germline): Uncertain significance (1 of 4 stars; one submission).

Conditions:
Norman-Roberts syndrome (LIS2). Also called: Lissencephaly 2 (Norman-Roberts type). Identifiers: Orphanet 89844, MedGen C0796089, MONDO:0009760, OMIM 257320.
Familial temporal lobe epilepsy 7. Identifiers: Orphanet 101046, MedGen C4225327, MONDO:0014639, OMIM 616436.

Submission:

Labcorp Genetics (formerly Invitae), Labcorp
Classification: Uncertain significance for Familial temporal lobe epilepsy 7; Norman-Roberts syndrome. Last evaluated: 2025-03-19. Review status: criteria provided, single submitter. Criteria: Invitae Variant Classification Sherloc (09022015). Collection method: clinical testing. Allele origin: germline.
Comment: This sequence change replaces aspartic acid, which is acidic and polar, with glutamic acid, which is acidic and polar, at codon 2240 of the RELN protein (p.Asp2240Glu). This variant is not present in population databases (gnomAD no frequency). This variant has not been reported in the literature in individuals affected with RELN-related conditions. Invitae Evidence Modeling of protein sequence and biophysical properties (such as structural, functional, and spatial information, amino acid conservation, physicochemical variation, residue mobility, and thermodynamic stability) indicates that this missense variant is not expected to disrupt RELN protein function with a negative predictive value of 80%. In summary, the available evidence is currently insufficient to determine the role of this variant in disease. Therefore, it has been classified as a Variant of Uncertain Significance.

NM_005045.4(RELN):c.6720C>A (p.Asp2240Glu)

Gene: RELN (reelin; minus strand). Cytogenetic location: 7q22.1.
Variant type: single nucleotide variant.
Coding change: c.6720C>A on transcript NM_005045.4 (MANE Select); coding-DNA position 6720, C replaced by A.
Protein change: p.Asp2240Glu; replaces aspartic acid 2240 with glutamic acid.
Molecular consequence: missense variant.
Genome position (GRCh38, 1-based): chr7:103,540,407, G>T on the plus strand (C>A on the coding strand, the complement: RELN is on the minus strand). VCF-style: chr7-103540407-G-T. GRCh37 (hg19) VCF-style: chr7-103180854-G-T.
Other names: c.6720C>A, p.Asp2240Glu (NM_173054.3); short protein forms D2240E.
Identifiers: ClinVar variation 4782688 (VCV004782688.1).
Genomic context (GRCh38, chr7:103,540,407, plus strand): 5'-AAGACTCCACGAGAGGCCACCGTTGAGAGAATACTGTAGGAGCACGGGTTGACTCCTGGG[G>T]TCAGGAACGCCTTTACCACATCCCAGTCTCATGAAGAACTGCACAAATCTGACATTTGTA-3'
Protein context (NP_005036.2, residues 2230-2250): MRLGCGKGVP[Asp2240Glu]PRSQPVLLQY